The following is an entry in ClinVar:

ClinVar aggregate classification (germline): Uncertain significance (1 of 4 stars; one submission).

gnomAD v4.1: 16 of 1,584,626 alleles (0.001%); highest among the groups gnomAD compares: Non-Finnish European, 0.000086%; no homozygotes.

Submission:

Labcorp Genetics (formerly Invitae), Labcorp
Classification: Uncertain significance. Last evaluated: 2021-08-31. Review status: criteria provided, single submitter. Criteria: Invitae Variant Classification Sherloc (09022015). Collection method: clinical testing. Allele origin: germline.
Comment: This sequence change replaces valine with isoleucine at codon 696 of the PLK4 protein (p.Val696Ile). The valine residue is highly conserved and there is a small physicochemical difference between valine and isoleucine. This variant is present in population databases (rs377056419, ExAC 0.02%). This variant has not been reported in the literature in individuals affected with PLK4-related conditions. Algorithms developed to predict the effect of missense changes on protein structure and function are either unavailable or do not agree on the potential impact of this missense change (SIFT: "Deleterious"; PolyPhen-2: "Probably Damaging"; Align-GVGD: "Class C0"). In summary, the available evidence is currently insufficient to determine the role of this variant in disease. Therefore, it has been classified as a Variant of Uncertain Significance.

NM_014264.5(PLK4):c.2086G>A (p.Val696Ile)

Gene: PLK4 (polo like kinase 4; plus strand). Cytogenetic location: 4q28.1.
Variant type: single nucleotide variant.
Coding change: c.2086G>A on transcript NM_014264.5 (MANE Select); coding-DNA position 2086, G replaced by A.
Protein change: p.Val696Ile; replaces valine 696 with isoleucine.
Molecular consequence: missense variant.
Genome position (GRCh38, 1-based): chr4:127,892,412, G>A. VCF-style: chr4-127892412-G-A. GRCh37 (hg19) VCF-style: chr4-128813567-G-A.
Other names: c.1990G>A, p.Val664Ile (NM_001190799.2); c.1963G>A, p.Val655Ile (NM_001190801.2); short protein forms V696I, V655I, V664I.
Identifiers: ClinVar variation 963856 (VCV000963856.4), dbSNP rs377056419, ClinGen allele CA3076947.